The following is an entry in ClinVar:

ClinVar aggregate classification (germline): Pathogenic (1 of 4 stars; one submission).

Conditions:
Exostoses, multiple, type 1 (EXT1). Also called: Hereditary Multiple Osteochondromatosis, Type I; EXOSTOSES, MULTIPLE, TYPE I. Identifiers: MedGen CN263289, MONDO:0007585, OMIM 133700.

Submission:

Division of Genetic & Genomic Pathology, Hong Kong Children's Hospital
Classification: Pathogenic for Exostoses, multiple, type 1. Last evaluated: 2024-10-30. Review status: criteria provided, single submitter. Criteria: ACMG Guidelines, 2015. Collection method: clinical testing. Allele origin: germline. Affected: yes.
Comment: EXT1 c.167_182del p.(Pro56LeufsTer75) is a 16-bp frameshift deletion located in exon 1 of 11 exons in the gene. It creates a premature stop codon, which may cause loss of protein function through nonsense-mediated mRNA decay. The variant is absent in population control exomes and genomes (gnomAD v4.1.0) and has not been reported in ClinVar database. For these reasons, this variant is classified as pathogenic.

NM_000127.3(EXT1):c.167_182del (p.Pro56fs)

Gene: EXT1 (exostosin glycosyltransferase 1; minus strand). Cytogenetic location: 8q24.11.
Variant type: Deletion.
Coding change: c.167_182del on transcript NM_000127.3 (MANE Select); coding-DNA positions 167 to 182, 16 bases deleted (CCCGCTTCCCGGACGC).
Protein change: p.Pro56fs; shifts the reading frame from proline 56.
Molecular consequence: frameshift variant.
Genome position (GRCh38, 1-based): chr8:118,110,865-118,110,880, GCGTCCGGGAAGCGGG deleted on the plus strand (CCCGCTTCCCGGACGC on the coding strand, the reverse complement: EXT1 is on the minus strand); deleting any 16 consecutive bases within chr8:118,110,865-118,110,882 gives the same sequence; the c. name uses the placement nearest the transcript's 3' end. VCF-style (leftmost placement, unchanged base first): chr8-118110864-AGCGTCCGGGAAGCGGG-A. GRCh37 (hg19) VCF-style: chr8-119123103-AGCGTCCGGGAAGCGGG-A.
Other names: short protein forms P56fs.
Identifiers: ClinVar variation 4849223 (VCV004849223.1).
Genomic context (GRCh38, chr8:118,110,864, plus strand): 5'-GGAAATGTGCACGCTGGAATCCTCGTTTTCCAATTGATCCCAAGGAACGAAGGGGCGCAG[AGCGTCCGGGAAGCGGG>A]GCCAGAAATGATCCGGACTGGGGTGGTGCAAGCCATTCCTACCGCTGTGTTCTTCTCTCC-3'